The following is an entry in ClinVar:

ClinVar aggregate classification (germline): Uncertain significance (1 of 4 stars; one submission).

Conditions:
Pheochromocytoma/paraganglioma syndrome 5. Also called: Paragangliomas 5; SDHA-Related Hereditary Paraganglioma-Pheochromocytoma Syndrome. Identifiers: Orphanet 29072, MedGen C3279992, MONDO:0013602, OMIM 614165.
Mitochondrial complex II deficiency, nuclear type 1. Also called: SUCCINATE CoQ REDUCTASE DEFICIENCY. Identifiers: Orphanet 3208, MedGen C5700310, MONDO:0100294, OMIM 252011.

gnomAD v4.1: 1 of 1,613,692 alleles (0.000062%); highest among the groups gnomAD compares: Non-Finnish European, 0.000085%; no homozygotes.

Submission:

Labcorp Genetics (formerly Invitae), Labcorp
Classification: Uncertain significance for Pheochromocytoma/paraganglioma syndrome 5; Mitochondrial complex II deficiency, nuclear type 1. Last evaluated: 2024-10-30. Review status: criteria provided, single submitter. Criteria: Invitae Variant Classification Sherloc (09022015). Collection method: clinical testing. Allele origin: germline.
Comment: This sequence change replaces alanine, which is neutral and non-polar, with serine, which is neutral and polar, at codon 69 of the SDHA protein (p.Ala69Ser). This variant is not present in population databases (gnomAD no frequency). This variant has not been reported in the literature in individuals affected with SDHA-related conditions. ClinVar contains an entry for this variant (Variation ID: 2094092). Invitae Evidence Modeling of protein sequence and biophysical properties (such as structural, functional, and spatial information, amino acid conservation, physicochemical variation, residue mobility, and thermodynamic stability) indicates that this missense variant is not expected to disrupt SDHA protein function with a negative predictive value of 95%. In summary, the available evidence is currently insufficient to determine the role of this variant in disease. Therefore, it has been classified as a Variant of Uncertain Significance.

NM_004168.4(SDHA):c.205G>T (p.Ala69Ser)

Gene: SDHA (succinate dehydrogenase complex flavoprotein subunit A; plus strand). Cytogenetic location: 5p15.33.
Variant type: single nucleotide variant.
Coding change: c.205G>T on transcript NM_004168.4 (MANE Select); coding-DNA position 205, G replaced by T.
Protein change: p.Ala69Ser; replaces alanine 69 with serine.
Molecular consequence: missense variant.
Genome position (GRCh38, 1-based): chr5:224,414, G>T. VCF-style: chr5-224414-G-T. GRCh37 (hg19) VCF-style: chr5-224529-G-T.
Other names: c.205G>T, p.Ala69Ser (NM_001294332.2, NM_001330758.2); short protein forms A69S.
Identifiers: ClinVar variation 2094092 (VCV002094092.4), dbSNP rs370481102, ClinGen allele CA359008484.
Genomic context (GRCh38, chr5:224,414, plus strand): 5'-TTCCAGATTTCTGCTCAGTATCCAGTAGTGGATCATGAATTTGATGCAGTGGTGGTAGGC[G>T]CTGGAGGGGCAGGCTTGCGAGCTGCATTTGGCCTTTCTGAGGCAGGGTTTAATACAGCAT-3'
Protein context (NP_004159.2, residues 59-79): DHEFDAVVVG[Ala69Ser]GGAGLRAAFG